The following is an entry in ClinVar:

ClinVar aggregate classification (germline): Uncertain significance (1 of 4 stars; one submission).

Submission:

Athena Diagnostics
Classification: Uncertain significance. Last evaluated: 2023-10-13. Review status: criteria provided, single submitter. Criteria: Athena Diagnostics Criteria. Collection method: clinical testing. Allele origin: unknown.
Comment: Available data are insufficient to determine the clinical significance of the variant at this time. This variant has not been reported in large, multi-ethnic general populations. Computational tools predict that this variant is not damaging.

NM_001278064.2(GRM1):c.994G>T (p.Val332Leu)

Gene: GRM1 (glutamate metabotropic receptor 1; plus strand). Cytogenetic location: 6q24.3.
Variant type: single nucleotide variant.
Coding change: c.994G>T on transcript NM_001278064.2 (MANE Select); coding-DNA position 994, G replaced by T.
Protein change: p.Val332Leu; replaces valine 332 with leucine.
Molecular consequence: missense variant.
Genome position (GRCh38, 1-based): chr6:146,304,654, G>T. VCF-style: chr6-146304654-G-T. GRCh37 (hg19) VCF-style: chr6-146625790-G-T.
Other names: c.994G>T, p.Val332Leu (NM_001278065.2, NM_001278066.1, NM_001278067.1); short protein forms V332L.
Identifiers: ClinVar variation 3571646 (VCV003571646.1).
Genomic context (GRCh38, chr6:146,304,654, plus strand): 5'-ATCCCTGCATTTTTTAGTGATGGATGGGCAGACAGAGATGAAGTCATTGAAGGTTATGAG[G>T]TGGAAGCCAACGGGGGAATCACGATAAAGCTGCAGTCTCCAGAGGTCAGGTCATTTGATG-3'
Protein context (NP_001264993.1, residues 322-342): DRDEVIEGYE[Val332Leu]EANGGITIKL